The following is an entry in ClinVar:

NM_002834.5(PTPN11):c.1221A>G (p.Gly407=)

Gene: PTPN11 (protein tyrosine phosphatase non-receptor type 11; plus strand). Cytogenetic location: 12q24.13.
Variant type: single nucleotide variant.
Coding change: c.1221A>G on transcript NM_002834.5 (MANE Select); coding-DNA position 1221, A replaced by G.
Protein change: p.Gly407=; no amino-acid change (glycine 407 retained).
Molecular consequence: synonymous variant.
Genome position (GRCh38, 1-based): chr12:112,482,202, A>G. VCF-style: chr12-112482202-A-G. GRCh37 (hg19) VCF-style: chr12-112920006-A-G.
Other names: NM_002834.4(PTPN11):c.1221A>G; c.1221A>G, p.Gly407= (NM_001330437.2, NM_080601.3); c.1218A>G, p.Gly406= (NM_001374625.1); c.1221A>G (NM_002834.4).
Identifiers: ClinVar variation 436446 (VCV000436446.24), dbSNP rs532529560, ClinGen allele CA6798737.

ClinVar aggregate classification (germline): Benign. Review status: reviewed by expert panel (3 of 4 stars). 11 submissions from 8 submitters: Benign (1). 10 of the submissions do not count toward it. Last evaluated 2017-04-18.

Conditions:
LEOPARD syndrome 1 (LPRD1). Also called: LENTIGINOSIS, CARDIOMYOPATHIC; MULTIPLE LENTIGINES SYNDROME; PTPN11-Related LEOPARD Syndrome. Identifiers: Orphanet 500, MedGen C4551484, MONDO:0100082, OMIM 151100.
Juvenile myelomonocytic leukemia (JMML). Also called: LEUKEMIA, JUVENILE MYELOMONOCYTIC, SOMATIC. Identifiers: Orphanet 86834, MedGen C0349639, MONDO:0011908, OMIM 607785, HP:0012209.
Noonan syndrome 1 (NS1). Also called: TURNER PHENOTYPE WITH NORMAL KARYOTYPE; FEMALE PSEUDO-TURNER SYNDROME; PTPN11-Related Noonan Syndrome. Identifiers: Orphanet 648, MedGen C4551602, MONDO:0008104, OMIM 163950. Disease mechanism: gain of function.
Metachondromatosis (METCDS). Identifiers: Orphanet 2499, MedGen C0410530, MONDO:0007979, OMIM 156250.
Cardiovascular phenotype. Identifiers: MedGen CN230736.
RASopathy. Also called: rasopathies; Noonan spectrum disorder. Identifiers: Orphanet 536391, MedGen C5555857, MONDO:0021060.

Allele frequency attached by ClinVar (database versions not stated): gnomAD below 0.00001 and 0.00006; TOPMed 0.00002; gnomAD exomes 0.00010 and 0.00019; 1000 Genomes Project 0.00020; ExAC 0.00023; 1000 Genomes Project 30x 0.00047.
gnomAD v4.1: 147 of 1,613,208 alleles (0.0091%); highest among the groups gnomAD compares: South Asian, 0.16%; no homozygotes.

Submissions (11):

ClinGen RASopathy Variant Curation Expert Panel
Classification: Benign for Noonan syndrome and Noonan-related syndrome. Last evaluated: 2017-04-18. Review status: reviewed by expert panel. Criteria: ClinGen RASopathy ACMG Specifications v1. Collection method: curation. Allele origin: germline. Inheritance: Autosomal dominant inheritance.
Comment: The filtering allele frequency of the c.1221A>G (p.Gly407=) variant in the PTPN11 gene is 0.115% (27/16510) of South Asian chromosomes by the Exome Aggregation Consortium, which is a high enough frequency to be classified as benign based on thresholds defined by the ClinGen RASopathy Expert Panel (BA1; PMID:29493581)

Labcorp Genetics (formerly Invitae), Labcorp
Classification: Benign for RASopathy. Last evaluated: 2026-01-26. Review status: criteria provided, single submitter. Criteria: Invitae Variant Classification Sherloc (09022015). Collection method: clinical testing. Allele origin: germline. Not counted in ClinVar's aggregate classification.

Women's Health and Genetics/Laboratory Corporation of America, LabCorp
Classification: Benign. Last evaluated: 2025-03-28. Review status: criteria provided, single submitter. Criteria: LabCorp Variant Classification Summary - May 2015. Collection method: clinical testing. Allele origin: germline. Not counted in ClinVar's aggregate classification.

KCCC/NGS Laboratory, Kuwait Cancer Control Center
Classification: Benign for Metachondromatosis. Last evaluated: 2025-02-01. Review status: criteria provided, single submitter. Criteria: ACMG Guidelines, 2015. Collection method: clinical testing. Allele origin: germline. Affected: no. Not counted in ClinVar's aggregate classification.

Blueprint Genetics
Classification: Likely benign. Last evaluated: 2024-10-14. Review status: criteria provided, single submitter. Criteria: ACMG Guidelines, 2015. Collection method: clinical testing. Allele origin: germline. Not counted in ClinVar's aggregate classification.

KCCC/NGS Laboratory, Kuwait Cancer Control Center
Classification: Benign for Juvenile myelomonocytic leukemia. Last evaluated: 2023-07-07. Review status: criteria provided, single submitter. Criteria: ACMG Guidelines, 2015. Collection method: clinical testing. Allele origin: germline. Affected: yes. Not counted in ClinVar's aggregate classification.

Ambry Genetics
Classification: Benign for Cardiovascular phenotype. Last evaluated: 2019-07-10. Review status: criteria provided, single submitter. Criteria: Ambry Variant Classification Scheme 2023. Collection method: clinical testing. Allele origin: germline. Not counted in ClinVar's aggregate classification.

Illumina Laboratory Services, Illumina
Classification: Benign for LEOPARD syndrome 1. Last evaluated: 2018-01-13. Review status: criteria provided, single submitter. Criteria: ICSL Variant Classification Criteria 13 December 2019. Collection method: clinical testing. Allele origin: germline. Not counted in ClinVar's aggregate classification.
Comment: This variant was observed in the ICSL laboratory as part of a predisposition screen in an ostensibly healthy population. It had not been previously curated by ICSL or reported in the Human Gene Mutation Database (HGMD: prior to June 1st, 2018), and was therefore a candidate for classification through an automated scoring system. Utilizing variant allele frequency, disease prevalence and penetrance estimates, and inheritance mode, an automated score was calculated to assess if this variant is too frequent to cause the disease. Based on the score and internal cut-off values, a variant classified as benign is not then subjected to further curation. The score for this variant resulted in a classification of benign for this disease.

Illumina Laboratory Services, Illumina
Classification: Uncertain significance for Noonan syndrome 1. Last evaluated: 2018-01-13. Review status: criteria provided, single submitter. Criteria: ICSL Variant Classification Criteria 13 December 2019. Collection method: clinical testing. Allele origin: germline. Not counted in ClinVar's aggregate classification.

Illumina Laboratory Services, Illumina
Classification: Benign for Metachondromatosis. Last evaluated: 2018-01-13. Review status: criteria provided, single submitter. Criteria: ICSL Variant Classification Criteria 13 December 2019. Collection method: clinical testing. Allele origin: germline. Not counted in ClinVar's aggregate classification.
Comment: the same text as in the submission from Illumina Laboratory Services, Illumina above.

Genetic Services Laboratory, University of Chicago
Classification: Benign. Last evaluated: 2017-06-09. Review status: criteria provided, single submitter. Criteria: ACMG Guidelines, 2015. Collection method: clinical testing. Allele origin: germline. Affected: no. Not counted in ClinVar's aggregate classification.

Literature cited by the submitters: PubMed 15385933 (cited by Women's Health and Genetics/Laboratory Corporation of America, LabCorp); PubMed 14644997 (cited by Women's Health and Genetics/Laboratory Corporation of America, LabCorp); PubMed 19047918 (cited by Women's Health and Genetics/Laboratory Corporation of America, LabCorp); PubMed 19179468 (cited by Women's Health and Genetics/Laboratory Corporation of America, LabCorp); PubMed 17972951 (cited by Women's Health and Genetics/Laboratory Corporation of America, LabCorp); PubMed 15710330 (cited by Women's Health and Genetics/Laboratory Corporation of America, LabCorp); PubMed 25395418 (cited by Women's Health and Genetics/Laboratory Corporation of America, LabCorp).